The following is an entry in ClinVar:

ClinVar aggregate classification (germline): Pathogenic. Review status: criteria provided, multiple submitters, no conflicts (2 of 4 stars). 10 submissions from 10 submitters: Pathogenic (10). Last evaluated 2025-10-02.

Conditions:
Muscular dystrophy, limb-girdle, autosomal dominant 4. Also called: Calpain-3-related limb-girdle muscular dystrophy D4; MUSCULAR DYSTROPHY, LIMB-GIRDLE, TYPE 1I. Identifiers: Orphanet 565909, MedGen C4748295, MONDO:0029133, OMIM 618129.
CAPN3-related disorder. Also called: CAPN3-related condition; CAPN3-related disorders. Identifiers: MedGen CN239245.
Autosomal recessive limb-girdle muscular dystrophy. Identifiers: Orphanet 102015, MedGen C2931907, MONDO:0015152.
Autosomal recessive limb-girdle muscular dystrophy type 2A (LGMDR1). Also called: Muscular dystrophy, limb-girdle, type 2A, Amish; LEYDEN-MOEBIUS MUSCULAR DYSTROPHY; Calpainopathy; MUSCULAR DYSTROPHY, PELVOFEMORAL; Limb-girdle muscular dystrophy, type 2A. Identifiers: Orphanet 267, MedGen C1869123, MONDO:0009675, OMIM 253600. Disease mechanism: loss of function.

Allele frequency attached by ClinVar (database versions not stated): ExAC 0.00001; gnomAD exomes below 0.00001; TOPMed 0.00001.
gnomAD v4.1: 4 of 1,614,226 alleles (0.00025%); highest among the groups gnomAD compares: Non-Finnish European, 0.00034%; no homozygotes.

Submissions (10):

Labcorp Genetics (formerly Invitae), Labcorp
Classification: Pathogenic for Autosomal recessive limb-girdle muscular dystrophy type 2A. Last evaluated: 2025-10-02. Review status: criteria provided, single submitter. Criteria: Invitae Variant Classification Sherloc (09022015). Collection method: clinical testing. Allele origin: germline.
Comment: This sequence change replaces glycine, which is neutral and non-polar, with tryptophan, which is neutral and slightly polar, at codon 567 of the CAPN3 protein (p.Gly567Trp). This variant is present in population databases (rs727503839, gnomAD 0.0009%). This missense change has been observed in individual(s) with autosomal recessive limb-girdle muscular dystrophy type 2A (PMID: 9150160, 10330340, 26404900). It has also been observed to segregate with disease in related individuals. ClinVar contains an entry for this variant (Variation ID: 166791). Invitae Evidence Modeling of protein sequence and biophysical properties (such as structural, functional, and spatial information, amino acid conservation, physicochemical variation, residue mobility, and thermodynamic stability) indicates that this missense variant is expected to disrupt CAPN3 protein function with a positive predictive value of 80%. For these reasons, this variant has been classified as Pathogenic.

Natera, Inc.
Classification: Pathogenic for Limb-girdle muscular dystrophy type 2A. Last evaluated: 2025-02-19. Review status: criteria provided, single submitter. Criteria: Natera Variant Classification Schema (03/2026). Collection method: clinical testing. Allele origin: germline.
Comment: The c.1699G>T variant in CAPN3 is a missense variant predicted to cause substitution of glycine to tryptophan at amino acid 567. This variant is rare in the general population with a frequency below the threshold expected for the associated phenotype(s). This variant has been observed in one or more individuals affected with the associated recessive disease, as either homozygous or compound heterozygous with a second variant (PMID: 26404900, 9150160). Given the available evidence, this variant is classified as Pathogenic.

Baylor Genetics
Classification: Pathogenic for Muscular dystrophy, limb-girdle, autosomal dominant 4. Last evaluated: 2024-03-22. Review status: criteria provided, single submitter. Criteria: ACMG Guidelines, 2015. Collection method: clinical testing. Allele origin: unknown.

Revvity Omics, Revvity
Classification: Pathogenic. Last evaluated: 2023-05-02. Review status: criteria provided, single submitter. Criteria: ACMG Guidelines, 2015. Collection method: clinical testing. Allele origin: germline.

Department of Pathology and Laboratory Medicine, Sinai Health System
Classification: Pathogenic for Autosomal recessive limb-girdle muscular dystrophy type 2A. Last evaluated: 2023-04-11. Review status: criteria provided, single submitter. Criteria: ACMG Guidelines, 2015. Collection method: research. Allele origin: germline.

PreventionGenetics, part of Exact Sciences
Classification: Pathogenic for CAPN3-related condition. Last evaluated: 2023-01-27. Review status: criteria provided, single submitter. Criteria: ACMG Guidelines, 2015. Collection method: clinical testing. Allele origin: germline.
Comment: The CAPN3 c.1699G>T variant is predicted to result in the amino acid substitution p.Gly567Trp. This variant has been reported in the homozygous and compound heterozygous state in many individuals with autosomal recessive CAPN3-related disorders (Richard et al 1997. PubMed ID: 9150160; Additional File 1 in Magri. 2015. PubMed ID: 26404900; Supp. Table 1 Barp et al. 2020. PubMed ID: 31555977). This variant is reported in 0.00088% of alleles in individuals of European (Non-Finnish) descent in gnomAD. This variant is interpreted as pathogenic.

Blueprint Genetics
Classification: Pathogenic for CAPN3-related disorders. Last evaluated: 2023-01-20. Review status: criteria provided, single submitter. Criteria: ACMG Guidelines, 2015. Collection method: clinical testing. Allele origin: germline. Affected: yes. Observed: 1 variant allele.

Women's Health and Genetics/Laboratory Corporation of America, LabCorp
Classification: Pathogenic for Autosomal recessive limb-girdle muscular dystrophy. Last evaluated: 2023-01-04. Review status: criteria provided, single submitter. Criteria: LabCorp Variant Classification Summary - May 2015. Collection method: clinical testing. Allele origin: germline.
Comment: Variant summary: CAPN3 c.1699G>T (p.Gly567Trp) results in a non-conservative amino acid change located in peptidase C2, calpain, large subunit, domain III (IPR022682) of the encoded protein sequence. Five of five in-silico tools predict a damaging effect of the variant on protein function. The variant allele was found at a frequency of 4e-06 in 251382 control chromosomes (gnomAD). c.1699G>T has been reported in the literature in multiple homozygous- and compound heterozygous individuals affected with (suspected) Limb-Girdle Muscular Dystrophy (e.g., Richard_1997, Magri_2015, Nallamilli_2018, Barp_2020). These data indicate that the variant is very likely to be associated with disease. A publication reported experimental evidence, demonstrating the lack of calpain activity in a cell line homozygous for the variant (Cerino_2020). Five ClinVar submitters (evaluation after 2014) have cited the variant, and all laboratories classified the variant as pathogenic. Based on the evidence outlined above, the variant was classified as pathogenic.

CeGaT Center for Human Genetics Tuebingen
Classification: Pathogenic. Last evaluated: 2019-03-01. Review status: criteria provided, single submitter. Criteria: CeGaT Center For Human Genetics Tuebingen Variant Classification Criteria Version 2. Collection method: clinical testing. Allele origin: germline. Affected: yes. Observed: 1 variant allele.

Eurofins Ntd Llc (ga)
Classification: Pathogenic. Last evaluated: 2017-02-03. Review status: criteria provided, single submitter. Criteria: EGL Classification Definitions. Collection method: clinical testing. Allele origin: germline. Observed: 7 variant alleles, 7 heterozygotes.

Literature cited by the submitters: PubMed 9150160 (cited by 3 submitters); PubMed 10330340 (cited by Labcorp Genetics (formerly Invitae), Labcorp); PubMed 26404900 (cited by 3 submitters); PubMed 30564623 (cited by Women's Health and Genetics/Laboratory Corporation of America, LabCorp); PubMed 31555977 (cited by Women's Health and Genetics/Laboratory Corporation of America, LabCorp); PubMed 32342993 (cited by Women's Health and Genetics/Laboratory Corporation of America, LabCorp); PubMed 35309930 (cited by Women's Health and Genetics/Laboratory Corporation of America, LabCorp); PubMed 32557990 (cited by Women's Health and Genetics/Laboratory Corporation of America, LabCorp).

NM_000070.3(CAPN3):c.1699G>T (p.Gly567Trp)

Gene: CAPN3 (calpain 3; plus strand). Cytogenetic location: 15q15.1.
Variant type: single nucleotide variant.
Coding change: c.1699G>T on transcript NM_000070.3 (MANE Select); coding-DNA position 1699, G replaced by T.
Protein change: p.Gly567Trp; replaces glycine 567 with tryptophan.
Molecular consequence: missense variant.
Genome position (GRCh38, 1-based): chr15:42,402,956, G>T. VCF-style: chr15-42402956-G-T. GRCh37 (hg19) VCF-style: chr15-42695154-G-T.
Other names: c.1699G>T, p.Gly567Trp (NM_024344.2); c.1555G>T, p.Gly519Trp (NM_173087.2); c.163G>T, p.Gly55Trp (NM_173088.2); short protein forms G567W, G55W, G519W.
Identifiers: ClinVar variation 166791 (VCV000166791.100), dbSNP rs727503839, ClinGen allele CA233622.
Genomic context (GRCh38, chr15:42,402,956, plus strand): 5'-TTCCGCCTGCCTCCCAGCGAGTACGTCATCGTGCCCTCCACCTACGAGCCCCACCAGGAG[G>T]GGGAATTCATCCTCCGGGTCTTCTCTGAAAAGAGGAACCTCTCTGAGTGAGTGCTGGCCC-3'
Protein context (NP_000061.1, residues 557-577): VPSTYEPHQE[Gly567Trp]EFILRVFSEK